The following is an entry in ClinVar:

NM_006206.6(PDGFRA):c.2251G>A (p.Val751Ile)

Gene: PDGFRA (platelet derived growth factor receptor alpha; plus strand). Cytogenetic location: 4q12.
Variant type: single nucleotide variant.
Coding change: c.2251G>A on transcript NM_006206.6 (MANE Select); coding-DNA position 2251, G replaced by A.
Protein change: p.Val751Ile; replaces valine 751 with isoleucine.
Molecular consequence: missense variant.
Genome position (GRCh38, 1-based): chr4:54,280,410, G>A. VCF-style: chr4-54280410-G-A. GRCh37 (hg19) VCF-style: chr4-55146577-G-A.
Other names: c.2251G>A, p.Val751Ile (NM_001347827.2, NM_001347829.2); c.2326G>A, p.Val776Ile (NM_001347828.2); c.2290G>A, p.Val764Ile (NM_001347830.2); short protein forms V751I, V764I, V776I.
Identifiers: ClinVar variation 3690432 (VCV003690432.2).
Genomic context (GRCh38, chr4:54,280,410, plus strand): 5'-TACATGGACATGAAGCAGGCTGATACTACACAGTATGTCCCCATGCTAGAAAGGAAAGAG[G>A]TTTCTAAATATTCCGACATCCAGAGATCACTCTATGATCGTCCAGCCTCATATAAGAAGA-3'
Protein context (NP_006197.1, residues 741-761): QYVPMLERKE[Val751Ile]SKYSDIQRSL

ClinVar aggregate classification (germline): Uncertain significance (1 of 4 stars; one submission).

Conditions:
Gastrointestinal stromal tumor. Also called: Gastrointestinal stromal tumor, somatic; Gastrointestinal stroma tumor. Identifiers: Orphanet 44890, MedGen C0238198, MeSH D046152, MONDO:0011719, OMIM 606764, HP:0100723.

Submission:

Labcorp Genetics (formerly Invitae), Labcorp
Classification: Uncertain significance for Gastrointestinal stromal tumor. Last evaluated: 2024-05-07. Review status: criteria provided, single submitter. Criteria: Invitae Variant Classification Sherloc (09022015). Collection method: clinical testing. Allele origin: germline.
Comment: This sequence change replaces valine, which is neutral and non-polar, with isoleucine, which is neutral and non-polar, at codon 751 of the PDGFRA protein (p.Val751Ile). This variant is not present in population databases (gnomAD no frequency). This variant has not been reported in the literature in individuals affected with PDGFRA-related conditions. Advanced modeling of protein sequence and biophysical properties (such as structural, functional, and spatial information, amino acid conservation, physicochemical variation, residue mobility, and thermodynamic stability) performed at Invitae indicates that this missense variant is not expected to disrupt PDGFRA protein function with a negative predictive value of 80%. In summary, the available evidence is currently insufficient to determine the role of this variant in disease. Therefore, it has been classified as a Variant of Uncertain Significance.